The following is an entry in ClinVar:

ClinVar aggregate classification (germline): Uncertain significance. Review status: criteria provided, multiple submitters, no conflicts (2 of 4 stars). 2 submissions from 2 submitters: Uncertain significance (2). Last evaluated 2025-07-04.

Conditions:
Familial thoracic aortic aneurysm and aortic dissection (TAAD). Also called: Thoracic aortic aneurysms and dissections. Identifiers: Orphanet 91387, MedGen C4707243, MONDO:0019625.
Aortic aneurysm, familial thoracic 8 (AAT8). Identifiers: MedGen C3809513, MONDO:0014187, OMIM 615436.

Allele frequency attached by ClinVar (database versions not stated): gnomAD 0.00001; TOPMed 0.00002.
gnomAD v4.1: 17 of 1,611,968 alleles (0.0011%); highest among the groups gnomAD compares: Non-Finnish European, 0.0012%; no homozygotes.

Submissions (2):

Labcorp Genetics (formerly Invitae), Labcorp
Classification: Uncertain significance for Aortic aneurysm, familial thoracic 8. Last evaluated: 2025-07-04. Review status: criteria provided, single submitter. Criteria: Invitae Variant Classification Sherloc (09022015). Collection method: clinical testing. Allele origin: germline.
Comment: This sequence change replaces lysine, which is basic and polar, with asparagine, which is neutral and polar, at codon 632 of the PRKG1 protein (p.Lys632Asn). This variant is present in population databases (no rsID available, gnomAD 0.0009%). This variant has not been reported in the literature in individuals affected with PRKG1-related conditions. ClinVar contains an entry for this variant (Variation ID: 2450774). An algorithm developed to predict the effect of missense changes on protein structure and function (PolyPhen-2) suggests that this variant is likely to be tolerated. Algorithms developed to predict the effect of sequence changes on RNA splicing suggest that this variant may disrupt the consensus splice site. In summary, the available evidence is currently insufficient to determine the role of this variant in disease. Therefore, it has been classified as a Variant of Uncertain Significance.

Ambry Genetics
Classification: Uncertain significance for Familial thoracic aortic aneurysm and aortic dissection. Last evaluated: 2022-12-23. Review status: criteria provided, single submitter. Criteria: Ambry Variant Classification Scheme 2023. Collection method: clinical testing. Allele origin: germline.
Comment: The p.K632N variant (also known as c.1896A>T) is located in coding exon 17 of the PRKG1 gene. The lysine at codon 632 is replaced by asparagine, an amino acid with similar properties. This change occurs in the first base pair of coding exon 17. This amino acid position is conserved. In addition, this alteration is predicted to be tolerated by in silico analysis. Since supporting evidence is limited at this time, the clinical significance of this alteration remains unclear.

NM_006258.4(PRKG1):c.1896A>T (p.Lys632Asn)

Gene: PRKG1 (protein kinase cGMP-dependent 1; plus strand). Cytogenetic location: 10q21.1.
Variant type: single nucleotide variant.
Coding change: c.1896A>T on transcript NM_006258.4 (MANE Select); coding-DNA position 1896, A replaced by T.
Protein change: p.Lys632Asn; replaces lysine 632 with asparagine.
Molecular consequence: missense variant.
Genome position (GRCh38, 1-based): chr10:52,290,224, A>T. VCF-style: chr10-52290224-A-T. GRCh37 (hg19) VCF-style: chr10-54049984-A-T.
Other names: c.1851A>T, p.Lys617Asn (NM_001098512.3); c.687A>T, p.Lys229Asn (NM_001374781.1); short protein forms K617N, K632N, K229N.
Identifiers: ClinVar variation 2450774 (VCV002450774.3), dbSNP rs985916344, ClinGen allele CA207401684.